The following is an entry in ClinVar:

ClinVar aggregate classification (germline): Uncertain significance (1 of 4 stars; one submission).

Conditions:
Diamond-Blackfan anemia. Also called: Blackfan Diamond syndrome; Aregenerative anemia chronic congenital; Red cell aplasia, pure hereditary; Congenital hypoplastic anemia; Aase syndrome. Identifiers: Orphanet 124, MedGen C1260899, MeSH D029503, MONDO:0015253, HP:0004810.

Allele frequency attached by ClinVar (database versions not stated): gnomAD exomes below 0.00001; gnomAD 0.00001.

Submission:

Labcorp Genetics (formerly Invitae), Labcorp
Classification: Uncertain significance for Diamond-Blackfan anemia. Last evaluated: 2024-04-22. Review status: criteria provided, single submitter. Criteria: Invitae Variant Classification Sherloc (09022015). Collection method: clinical testing. Allele origin: germline.
Comment: This sequence change replaces arginine, which is basic and polar, with tryptophan, which is neutral and slightly polar, at codon 87 of the RPL26 protein (p.Arg87Trp). This variant is not present in population databases (gnomAD no frequency). This variant has not been reported in the literature in individuals affected with RPL26-related conditions. ClinVar contains an entry for this variant (Variation ID: 238202). An algorithm developed to predict the effect of missense changes on protein structure and function (PolyPhen-2) suggests that this variant is likely to be tolerated. In summary, the available evidence is currently insufficient to determine the role of this variant in disease. Therefore, it has been classified as a Variant of Uncertain Significance.

NM_000987.5(RPL26):c.259C>T (p.Arg87Trp)

Gene: RPL26 (ribosomal protein L26; minus strand). Cytogenetic location: 17p13.1.
Variant type: single nucleotide variant.
Coding change: c.259C>T on transcript NM_000987.5 (MANE Select); coding-DNA position 259, C replaced by T.
Protein change: p.Arg87Trp; replaces arginine 87 with tryptophan.
Molecular consequence: missense variant.
Genome position (GRCh38, 1-based): chr17:8,379,846, G>A on the plus strand (C>T on the coding strand, the complement: RPL26 is on the minus strand). VCF-style: chr17-8379846-G-A. GRCh37 (hg19) VCF-style: chr17-8283164-G-A.
Other names: c.259C>T, p.Arg87Trp (NM_001315530.2, NM_001315531.2, LRG_1125t1); short protein forms R87W.
Identifiers: ClinVar variation 238202 (VCV000238202.11), dbSNP rs878854147, ClinGen allele CA10583694.